The following is an entry in ClinVar:

NM_001365999.1(SZT2):c.116T>A (p.Leu39Gln)

Gene: SZT2 (SZT2 subunit of KICSTOR complex; plus strand). Cytogenetic location: 1p34.2.
Variant type: single nucleotide variant.
Coding change: c.116T>A on transcript NM_001365999.1 (MANE Select); coding-DNA position 116, T replaced by A.
Protein change: p.Leu39Gln; replaces leucine 39 with glutamine.
Molecular consequence: missense variant.
Genome position (GRCh38, 1-based): chr1:43,403,265, T>A. VCF-style: chr1-43403265-T-A. GRCh37 (hg19) VCF-style: chr1-43868936-T-A.
Other names: c.116T>A, p.Leu39Gln (NM_015284.4); short protein forms L39Q.
Identifiers: ClinVar variation 1427346 (VCV001427346.8), dbSNP rs2153929606, ClinGen allele CA339995193.
Genomic context (GRCh38, chr1:43,403,265, plus strand): 5'-TAATGAAAAAGGATTATCGAATCTCCCGAAATGTTCGCCTGGCTTGGTTCCTCAGTCATC[T>A]GCACCAAACTGTGCAGGCCACACCCCAGGAGATGCTGGTGAGGCTTAGACACACGAAAGG-3'
Protein context (NP_001352928.1, residues 29-49): NVRLAWFLSH[Leu39Gln]HQTVQATPQE

ClinVar aggregate classification (germline): Uncertain significance (1 of 4 stars; one submission).

Submission:

Labcorp Genetics (formerly Invitae), Labcorp
Classification: Uncertain significance. Last evaluated: 2022-02-10. Review status: criteria provided, single submitter. Criteria: Invitae Variant Classification Sherloc (09022015). Collection method: clinical testing. Allele origin: germline.
Comment: In summary, the available evidence is currently insufficient to determine the role of this variant in disease. Therefore, it has been classified as a Variant of Uncertain Significance. Algorithms developed to predict the effect of missense changes on protein structure and function are either unavailable or do not agree on the potential impact of this missense change (SIFT: "Deleterious"; PolyPhen-2: "Probably Damaging"; Align-GVGD: "Class C0"). This variant has not been reported in the literature in individuals affected with SZT2-related conditions. This variant is not present in population databases (gnomAD no frequency). This sequence change replaces leucine, which is neutral and non-polar, with glutamine, which is neutral and polar, at codon 39 of the SZT2 protein (p.Leu39Gln).